The following is an entry in ClinVar:

NM_000503.6(EYA1):c.775C>T (p.Gln259Ter)

Gene: EYA1 (EYA transcriptional coactivator and phosphatase 1; minus strand). Cytogenetic location: 8q13.3.
Variant type: single nucleotide variant.
Coding change: c.775C>T on transcript NM_000503.6 (MANE Select); coding-DNA position 775, C replaced by T.
Protein change: p.Gln259Ter; replaces glutamine 259 with a stop codon.
Molecular consequence: nonsense.
Genome position (GRCh38, 1-based): chr8:71,299,098, G>A on the plus strand (C>T on the coding strand, the complement: EYA1 is on the minus strand). VCF-style: chr8-71299098-G-A. GRCh37 (hg19) VCF-style: chr8-72211333-G-A.
Other names: c.757C>T, p.Gln253Ter (NM_001288574.2); c.409C>T, p.Gln137Ter (NM_001288575.2); c.862C>T, p.Gln288Ter (NM_001370333.1); c.775C>T, p.Gln259Ter (NM_001370334.1, NM_001370335.1, NM_172058.4); c.844C>T, p.Gln282Ter (NM_001370336.1); c.847C>T, p.Gln283Ter (NM_172059.5); short protein forms Q259*, Q282*, Q253*, Q283*, Q137*, Q288*.
Identifiers: ClinVar variation 1448479 (VCV001448479.9), dbSNP rs2128999627, ClinGen allele CA371467174.

ClinVar aggregate classification (germline): Pathogenic/Likely pathogenic. Review status: criteria provided, multiple submitters, no conflicts (2 of 4 stars). 2 submissions from 2 submitters: Pathogenic (1); Likely pathogenic (1). Last evaluated 2020-11-25.

Conditions:
Branchiootorenal syndrome 1. Also called: Branchio-Oto-Renal Syndrome 1. Identifiers: Orphanet 107, MedGen C4551702, MONDO:0007236, OMIM 113650.
Melnick-Fraser syndrome (BOR). Also called: Branchio-oto-renal syndrome; Branchiootorenal Syndrome (BORS); Branchiootorenal syndrome. Identifiers: Orphanet 107, MedGen C0265234, MONDO:0007029.

Submissions (2):

Labcorp Genetics (formerly Invitae), Labcorp
Classification: Pathogenic for Melnick-Fraser syndrome. Last evaluated: 2020-11-25. Review status: criteria provided, single submitter. Criteria: Invitae Variant Classification Sherloc (09022015). Collection method: clinical testing. Allele origin: germline.
Comment: This variant is not present in population databases (ExAC no frequency). For these reasons, this variant has been classified as Pathogenic. This variant has not been reported in the literature in individuals with EYA1-related conditions. This sequence change creates a premature translational stop signal (p.Gln259*) in the EYA1 gene. It is expected to result in an absent or disrupted protein product. Loss-of-function variants in EYA1 are known to be pathogenic (PMID: 10464653, 18220287).

Molecular Genetics Department, Kulakov National Medical Research Center for Obstetrics, Gynecology and Perinatology
Classification: Likely pathogenic for Branchiootorenal syndrome 1. Review status: criteria provided, single submitter. Criteria: ACMG Guidelines, 2015. Collection method: clinical testing. Allele origin: germline. Affected: yes.
Comment: A previously undescribed nucleotide variant creates a premature translation stop signal p.Gln259Ter in the EYA1 gene. Loss-of-function variants are reported in patients with Branchiootorenal syndrome 1, with or without cataracts, 113650. The variant is not present in population database (gnomAD no frequency). In summary, the currently available evidence indicates that the variant is pathogenic, but additional data are needed to prove that conclusively. Therefore, this variant has been classified as likely pathogenic.

Literature cited by the submitters: PubMed 10464653 (cited by Labcorp Genetics (formerly Invitae), Labcorp); PubMed 18220287 (cited by Labcorp Genetics (formerly Invitae), Labcorp).